The following is an entry in ClinVar:

NM_145290.4(ADGRA3):c.828G>C (p.Leu276Phe)

Gene: ADGRA3 (adhesion G protein-coupled receptor A3; minus strand). Cytogenetic location: 4p15.2.
Variant type: single nucleotide variant.
Coding change: c.828G>C on transcript NM_145290.4 (MANE Select); coding-DNA position 828, G replaced by C.
Protein change: p.Leu276Phe; replaces leucine 276 with phenylalanine.
Molecular consequence: missense variant.
Genome position (GRCh38, 1-based): chr4:22,442,742, C>G on the plus strand (G>C on the coding strand, the complement: ADGRA3 is on the minus strand). VCF-style: chr4-22442742-C-G. GRCh37 (hg19) VCF-style: chr4-22444365-C-G.
Other names: short protein forms L276F.
Identifiers: ClinVar variation 1469843 (VCV001469843.6), dbSNP rs773889398, ClinGen allele CA356477263.

ClinVar aggregate classification (germline): Uncertain significance (1 of 4 stars; one submission).

Allele frequency attached by ClinVar (database versions not stated): TOPMed 0.00002.
gnomAD v4.1: 10 of 1,612,386 alleles (0.00062%); highest among the groups gnomAD compares: Admixed American, 0.0017%; 1 homozygote.

Submission:

Labcorp Genetics (formerly Invitae), Labcorp
Classification: Uncertain significance. Last evaluated: 2025-11-05. Review status: criteria provided, single submitter. Criteria: Invitae Variant Classification Sherloc (09022015). Collection method: clinical testing. Allele origin: germline.
Comment: This sequence change replaces leucine, which is neutral and non-polar, with phenylalanine, which is neutral and non-polar, at codon 276 of the ADGRA3 protein (p.Leu276Phe). This variant is not present in population databases (gnomAD no frequency). This variant has not been reported in the literature in individuals affected with ADGRA3-related conditions. ClinVar contains an entry for this variant (Variation ID: 1469843). An algorithm developed to predict the effect of missense changes on protein structure and function (PolyPhen-2) suggests that this variant is likely to be disruptive. In summary, the available evidence is currently insufficient to determine the role of this variant in disease. Therefore, it has been classified as a Variant of Uncertain Significance.